The following is an entry in ClinVar:

ClinVar aggregate classification (germline): Uncertain significance (1 of 4 stars; one submission).

Conditions:
DNAH11-related disorder. Also called: DNAH11-related condition.

Allele frequency attached by ClinVar (database versions not stated): gnomAD exomes below 0.00001; gnomAD 0.00001; 1000 Genomes Project 30x 0.00016.
gnomAD v4.1: 3 of 1,610,916 alleles (0.00019%); highest among the groups gnomAD compares: East Asian, 0.0022%; no homozygotes.

Submission:

PreventionGenetics, part of Exact Sciences
Classification: Uncertain significance for DNAH11-related condition. Last evaluated: 2023-05-04. Review status: criteria provided, single submitter. Criteria: ACMG Guidelines, 2015. Collection method: clinical testing. Allele origin: germline.
Comment: The DNAH11 c.3262A>G variant is predicted to result in the amino acid substitution p.Ile1088Val. To our knowledge, this variant has not been reported in the literature or in a large population database, indicating this variant is rare. At this time, the clinical significance of this variant is uncertain due to the absence of conclusive functional and genetic evidence.

NM_001277115.2(DNAH11):c.3262A>G (p.Ile1088Val)

Genes: DNAH11 (dynein axonemal heavy chain 11; plus strand), LOC126859961 (BRD4-independent group 4 enhancer GRCh37_chr7:21639662-21640861; plus strand). Cytogenetic location: 7p15.3.
Variant type: single nucleotide variant.
Coding change: c.3262A>G on transcript NM_001277115.2 (MANE Select); coding-DNA position 3262, A replaced by G.
Protein change: p.Ile1088Val; replaces isoleucine 1088 with valine.
Molecular consequence: missense variant.
Genome position (GRCh38, 1-based): chr7:21,601,016, A>G. VCF-style: chr7-21601016-A-G. GRCh37 (hg19) VCF-style: chr7-21640634-A-G.
Other names: c.3262A>G, p.Ile1088Val (NM_003777.3); short protein forms I1088V.
Identifiers: ClinVar variation 2632918 (VCV002632918.1), dbSNP rs1785063410, ClinGen allele CA366945762.
Genomic context (GRCh38, chr7:21,601,016, plus strand): 5'-GTAGTGAAATGGCTTTTCACTGAGTTGTTCTAATTAATCTTTTTCTCACTACAGATTGAC[A>G]TTTATGAAGCTTTGTATGTTCAAATGAGCAAATTTGAGGACTTTAGAGTGTTTGATAGTT-3'
Protein context (NP_001264044.1, residues 1078-1098): TLEQFKEQID[Ile1088Val]YEALYVQMSK